The following is an entry in ClinVar:

ClinVar aggregate classification (germline): Uncertain significance (1 of 4 stars; one submission).

Allele frequency attached by ClinVar (database versions not stated): ExAC 0.00003; gnomAD 0.00003; TOPMed 0.00003; gnomAD exomes 0.00007; ESP Exome Variant Server 0.00008.
gnomAD v4.1: 102 of 1,613,794 alleles (0.0063%); highest among the groups gnomAD compares: Non-Finnish European, 0.0081%; no homozygotes.

Submission:

CeGaT Center for Human Genetics Tuebingen
Classification: Uncertain significance. Last evaluated: 2024-01-01. Review status: criteria provided, single submitter. Criteria: CeGaT Center For Human Genetics Tuebingen Variant Classification Criteria Version 2. Collection method: clinical testing. Allele origin: germline. Affected: yes. Observed: 1 variant allele.
Comment: GATB: PM2, BP4

NM_004564.3(GATB):c.1603C>T (p.Arg535Trp)

Gene: GATB (glutamyl-tRNA amidotransferase subunit B; minus strand). Cytogenetic location: 4q31.3.
Variant type: single nucleotide variant.
Coding change: c.1603C>T on transcript NM_004564.3 (MANE Select); coding-DNA position 1603, C replaced by T.
Protein change: p.Arg535Trp; replaces arginine 535 with tryptophan.
Molecular consequence: missense variant.
Genome position (GRCh38, 1-based): chr4:151,671,245, G>A on the plus strand (C>T on the coding strand, the complement: GATB is on the minus strand). VCF-style: chr4-151671245-G-A. GRCh37 (hg19) VCF-style: chr4-152592397-G-A.
Other names: c.1468C>T, p.Arg490Trp (NM_001363341.2); short protein forms R490W, R535W.
Identifiers: ClinVar variation 3024974 (VCV003024974.22), dbSNP rs377007052, ClinGen allele CA3105535.